The following is an entry in ClinVar:

NM_007294.4(BRCA1):c.485dup (p.Arg163fs)

Gene: BRCA1 (BRCA1 DNA repair associated; minus strand). Cytogenetic location: 17q21.31.
Variant type: Duplication.
Coding change: c.485dup on transcript NM_007294.4 (MANE Select); coding-DNA position 485, one base duplicated (T; older notation c.485dupT).
Protein change: p.Arg163fs; shifts the reading frame from arginine 163.
Molecular consequence: frameshift variant. On other transcripts: non-coding transcript variant (1).
Genome position (GRCh38, 1-based): chr17:43,099,837, A duplicated on the plus strand (T on the coding strand, the reverse complement: BRCA1 is on the minus strand). VCF-style (leftmost placement, unchanged base first): chr17-43099836-C-CA. GRCh37 (hg19) VCF-style: chr17-41251853-C-CA.
Other names: c.485dupT (NM_007294.3); c.482dup, p.Arg162Glufs (NM_001408424.1, NM_001408431.1, NM_001408432.1 and 65 more transcripts); c.485dup, p.Arg163Glufs (NM_001408425.1, NM_001408426.1, NM_001408427.1 and 95 more transcripts); c.350dup, p.Arg118Glufs (NM_001408451.1); c.344dup, p.Arg116Glufs (NM_001408452.1, NM_001408453.1, NM_001408454.1 and 60 more transcripts); c.341dup, p.Arg115Glufs (NM_001408462.1, NM_001408463.1, NM_001408464.1 and 35 more transcripts); c.407dup, p.Arg137Glufs (NM_001408474.1, NM_001408476.1, NM_001407653.1 and 12 more transcripts); c.404dup, p.Arg136Glufs (NM_001408475.1, NM_001407659.1, NM_001407660.1 and 6 more transcripts); and 7 more; short protein forms R163fs, R116fs.
Identifiers: ClinVar variation 140998 (VCV000140998.8), dbSNP rs587781427, ClinGen allele CA164173.

ClinVar aggregate classification (germline): Pathogenic. Review status: reviewed by expert panel (3 of 4 stars). 3 submissions from 3 submitters: Pathogenic (1). 2 of the submissions do not count toward it. Last evaluated 2016-09-08.

Conditions:
Hereditary cancer-predisposing syndrome. Also called: Tumor predisposition; Hereditary neoplastic syndrome; Hereditary Cancer Syndrome; Neoplastic Syndromes, Hereditary. Identifiers: Orphanet 140162, MedGen C0027672, MeSH D009386, MONDO:0015356.
Breast-ovarian cancer, familial, susceptibility to, 1 (BROVCA1). Also called: BRCA1 Hereditary Breast and Ovarian Cancer; OVARIAN CANCER, SUSCEPTIBILITY TO. Identifiers: Orphanet 145, MedGen C2676676, MONDO:0011450, OMIM 604370. Disease mechanism: loss of function.

Submissions (3):

Evidence-based Network for the Interpretation of Germline Mutant Alleles (ENIGMA)
Classification: Pathogenic for Breast-ovarian cancer, familial, susceptibility to, 1. Last evaluated: 2016-09-08. Review status: reviewed by expert panel. Criteria: ENIGMA BRCA1/2 Classification Criteria (2015). Collection method: curation. Allele origin: germline.
Comment: Variant allele predicted to encode a truncated non-functional protein.

Myriad Genetics, Inc.
Classification: Pathogenic for Breast-ovarian cancer, familial, susceptibility to, 1. Last evaluated: 2026-06-04. Review status: criteria provided, single submitter. Criteria: Myriad Autosomal Dominant, Autosomal Recessive and X-Linked Classification Criteria (2023). Collection method: clinical testing. Allele origin: unknown. Not counted in ClinVar's aggregate classification.
Comment: This variant is considered pathogenic. This variant creates a frameshift predicted to result in premature protein truncation.

Ambry Genetics
Classification: Pathogenic for Hereditary cancer-predisposing syndrome. Last evaluated: 2025-04-18. Review status: criteria provided, single submitter. Criteria: Ambry Variant Classification Scheme 2023. Collection method: clinical testing. Allele origin: germline. Not counted in ClinVar's aggregate classification.
Comment: The c.485dupT pathogenic mutation, located in coding exon 6 of the BRCA1 gene, results from a duplication of T at nucleotide position 485, causing a translational frameshift with a predicted alternate stop codon (p.R163Efs*19). This variant is considered to be rare based on population cohorts in the Genome Aggregation Database (gnomAD). This alteration is expected to result in loss of function by premature protein truncation or nonsense-mediated mRNA decay. As such, this alteration is interpreted as a disease-causing mutation.